The following is an entry in ClinVar:

NM_000540.3(RYR1):c.1156G>A (p.Ala386Thr)

Gene: RYR1 (ryanodine receptor 1; plus strand). Cytogenetic location: 19q13.2.
Variant type: single nucleotide variant.
Coding change: c.1156G>A on transcript NM_000540.3 (MANE Select); coding-DNA position 1156, G replaced by A.
Protein change: p.Ala386Thr; replaces alanine 386 with threonine.
Molecular consequence: missense variant.
Genome position (GRCh38, 1-based): chr19:38,451,797, G>A. VCF-style: chr19-38451797-G-A. GRCh37 (hg19) VCF-style: chr19-38942437-G-A.
Other names: c.1156G>A, p.Ala386Thr (NM_001042723.2); short protein forms A386T.
Identifiers: ClinVar variation 478162 (VCV000478162.10), dbSNP rs532700459, ClinGen allele CA057168.

ClinVar aggregate classification (germline): Uncertain significance. Review status: criteria provided, multiple submitters, no conflicts (2 of 4 stars). 4 submissions from 4 submitters: Uncertain significance (4). Last evaluated 2025-01-31.

Conditions:
RYR1-related disorder. Also called: RYR1-related condition; RYR1-related disorders. Identifiers: MedGen CN239331.
Malignant hyperthermia, susceptibility to, 1 (MHS1). Also called: Anesthesia related hyperthermia; Malignant hyperpyrexia; Fulminating hyperpyrexia; Pharmacogenic myopathy; Malignant hyperthermia suceptibility 1; RYR1-Related Malignant Hyperthermia Susceptibility. Identifiers: Orphanet 423, MedGen C2930980, MONDO:0007783, OMIM 145600.

Allele frequency attached by ClinVar (database versions not stated): gnomAD 0.00001; TOPMed 0.00001; ExAC 0.00002; gnomAD exomes 0.00002 and 0.00003.
gnomAD v4.1: 25 of 1,613,982 alleles (0.0015%); highest among the groups gnomAD compares: Admixed American, 0.01%; no homozygotes.

Submissions (4):

Labcorp Genetics (formerly Invitae), Labcorp
Classification: Uncertain significance for RYR1-related disorder. Last evaluated: 2025-01-31. Review status: criteria provided, single submitter. Criteria: Invitae Variant Classification Sherloc (09022015). Collection method: clinical testing. Allele origin: germline.
Comment: This sequence change replaces alanine, which is neutral and non-polar, with threonine, which is neutral and polar, at codon 386 of the RYR1 protein (p.Ala386Thr). This variant is present in population databases (rs532700459, gnomAD 0.02%). This variant has not been reported in the literature in individuals affected with RYR1-related conditions. ClinVar contains an entry for this variant (Variation ID: 478162). An algorithm developed to predict the effect of missense changes on protein structure and function outputs the following: PolyPhen-2: "Possibly Damaging". The threonine amino acid residue is found in multiple mammalian species, which suggests that this missense change does not adversely affect protein function. In summary, the available evidence is currently insufficient to determine the role of this variant in disease. Therefore, it has been classified as a Variant of Uncertain Significance.

GeneDx
Classification: Uncertain significance. Last evaluated: 2024-09-09. Review status: criteria provided, single submitter. Criteria: GeneDx Variant Classification Process June 2021. Collection method: clinical testing. Allele origin: germline. Affected: yes.
Comment: Has not been previously published as pathogenic or benign to our knowledge; In silico analysis indicates that this missense variant does not alter protein structure/function; This variant is associated with the following publications: (PMID: 33767344)

Color Diagnostics, LLC DBA Color Health
Classification: Uncertain significance for Malignant hyperthermia, susceptibility to, 1. Last evaluated: 2024-07-30. Review status: criteria provided, single submitter. Criteria: ACMG Guidelines, 2015. Collection method: clinical testing. Allele origin: germline.
Comment: This missense variant replaces alanine with threonine at codon 386 of the RYR1 protein. Computational prediction is inconclusive regarding the impact of this variant on protein structure and function. To our knowledge, functional studies have not been reported for this variant. This variant has not been reported in individuals affected with RYR1-related disorders in the literature. This variant has been identified in 8/251300 chromosomes in the general population by the Genome Aggregation Database (gnomAD). The available evidence is insufficient to determine the role of this variant in disease conclusively. Therefore, this variant is classified as a Variant of Uncertain Significance.

Revvity Omics, Revvity
Classification: Uncertain significance. Last evaluated: 2024-06-05. Review status: criteria provided, single submitter. Criteria: ACMG Guidelines, 2015. Collection method: clinical testing. Allele origin: germline.